The following is an entry in ClinVar:

NM_016604.4(KDM3B):c.2813G>A (p.Arg938His)

Gene: KDM3B (lysine demethylase 3B; plus strand). Cytogenetic location: 5q31.2.
Variant type: single nucleotide variant.
Coding change: c.2813G>A on transcript NM_016604.4 (MANE Select); coding-DNA position 2813, G replaced by A.
Protein change: p.Arg938His; replaces arginine 938 with histidine.
Molecular consequence: missense variant.
Genome position (GRCh38, 1-based): chr5:138,393,354, G>A. VCF-style: chr5-138393354-G-A. GRCh37 (hg19) VCF-style: chr5-137729043-G-A.
Other names: short protein forms R938H.
Identifiers: ClinVar variation 4091208 (VCV004091208.2).
Genomic context (GRCh38, chr5:138,393,354, plus strand): 5'-GCCTGGAGCGGTACCGGAAGTTTAAGGAACAGGAGCAAGATGATTCTACTGTAGCCTGCC[G>A]TTTCTTTCACTTCCGGAGGTACCCAAACTCCTGTTTTCCTCCTTTGCTAGTTTTCATTAG-3'
Protein context (NP_057688.3, residues 928-948): QEQDDSTVAC[Arg938His]FFHFRRLIFT

ClinVar aggregate classification (germline): Uncertain significance (1 of 4 stars; one submission).

Conditions:
Inborn genetic diseases. Identifiers: MedGen C0950123, MeSH D030342.

Submission:

Ambry Genetics
Classification: Uncertain significance for Inborn genetic diseases. Last evaluated: 2025-10-17. Review status: criteria provided, single submitter. Criteria: Ambry Variant Classification Scheme 2023. Collection method: clinical testing. Allele origin: germline.
Comment: The c.2813G>A (p.R938H) alteration is located in exon 9 (coding exon 9) of the KDM3B gene. This alteration results from a G to A substitution at nucleotide position 2813, causing the arginine (R) at amino acid position 938 to be replaced by a histidine (H). This variant was not reported in population-based cohorts in the Genome Aggregation Database (gnomAD). This amino acid position is highly conserved in available vertebrate species. This missense alteration is located in a region that has a low rate of benign missense variation (Lek, 2016; Firth, 2009). This alteration is predicted to be deleterious by in silico analysis. Based on insufficient or conflicting evidence, the clinical significance of this alteration remains unclear.